The following is an entry in ClinVar:

ClinVar aggregate classification (germline): Benign. Review status: criteria provided, multiple submitters, no conflicts (2 of 4 stars). 3 submissions from 3 submitters: Benign (2). 1 of the submissions does not count toward it. Last evaluated 2020-10-28.

Conditions:
Acute myeloblastic leukemia with maturation. Also called: Acute myeloid leukemia with maturation. Identifiers: Orphanet 98834, MedGen C1879321, MONDO:0020320.

Allele frequency attached by ClinVar (database versions not stated): gnomAD 0.38046 and 0.39357; TOPMed 0.38949; gnomAD exomes 0.45000; 1000 Genomes Project 0.47724.

Submissions (3):

H3Africa Consortium
Classification: Benign. Last evaluated: 2020-10-28. Review status: criteria provided, single submitter. Criteria: Choudhury A et al. (Nature 2020). Collection method: research. Allele origin: germline. Study: H3Africa.
Comment: While the frequency of the alternate allele in gnoMAD v2.0.2 is 0.188, its frequency in African populations is >5%. This suggests that previous classifications of this variant as pathogenic are in error.

Breakthrough Genomics
Classification: Benign. Review status: criteria provided, single submitter. Criteria: ACMG Guidelines, 2015. Collection method: not provided. Allele origin: germline. Inheritance: Unknown mechanism. Affected: yes.

Fujian Institute of Hematology, Fujian Medical University
Classification: Pathogenic for Acute myeloblastic leukemia with maturation. Review status: no assertion criteria provided. Collection method: case-control. Allele origin: germline. Affected: yes. Not counted in ClinVar's aggregate classification.
Comment: This variant contributes to development of AML-M2

Literature cited by the submitters: PubMed 29254171 (cited by Fujian Institute of Hematology, Fujian Medical University).

NC_000001.11:g.198807802C>A

Genes: MIR181A1HG (MIR181A1 host gene; minus strand), LOC126805969 (BRD4-independent group 4 enhancer GRCh37_chr1:198776880-198778079; plus strand). Cytogenetic location: 1q32.1.
Variant type: single nucleotide variant.
Genome position: GRCh38 VCF-style: chr1-198807802-C-A. GRCh37 (hg19) VCF-style: chr1-198776931-C-A.
Identifiers: ClinVar variation 427752 (VCV000427752.4), dbSNP rs9660525, ClinGen allele CA35930389.